The following is an entry in ClinVar:

ClinVar aggregate classification (germline): Uncertain significance (1 of 4 stars; one submission).

Submission:

Ambry Genetics
Classification: Uncertain significance. Last evaluated: 2025-02-09. Review status: criteria provided, single submitter. Criteria: Ambry Variant Classification Scheme 2023. Collection method: clinical testing. Allele origin: germline.
Comment: The p.S785N variant (also known as c.2354G>A), located in coding exon 5 of the CDK12 gene, results from a G to A substitution at nucleotide position 2354. The serine at codon 785 is replaced by asparagine, an amino acid with highly similar properties. This amino acid position is conserved. In addition, this alteration is predicted to be tolerated by in silico analysis. Based on the available evidence, the clinical significance of this variant remains unclear.

NM_016507.4(CDK12):c.2354G>A (p.Ser785Asn)

Gene: CDK12 (cyclin dependent kinase 12; plus strand). Cytogenetic location: 17q12.
Variant type: single nucleotide variant.
Coding change: c.2354G>A on transcript NM_016507.4 (MANE Select); coding-DNA position 2354, G replaced by A.
Protein change: p.Ser785Asn; replaces serine 785 with asparagine.
Molecular consequence: missense variant.
Genome position (GRCh38, 1-based): chr17:39,494,629, G>A. VCF-style: chr17-39494629-G-A. GRCh37 (hg19) VCF-style: chr17-37650882-G-A.
Other names: c.2354G>A, p.Ser785Asn (NM_015083.4); short protein forms S785N.
Identifiers: ClinVar variation 3830639 (VCV003830639.1).